The following is an entry in ClinVar:

NM_001015880.2(PAPSS2):c.416C>T (p.Ala139Val)

Gene: PAPSS2 (3'-phosphoadenosine 5'-phosphosulfate synthase 2; plus strand). Cytogenetic location: 10q23.31.
Variant type: single nucleotide variant.
Coding change: c.416C>T on transcript NM_001015880.2 (MANE Select); coding-DNA position 416, C replaced by T.
Protein change: p.Ala139Val; replaces alanine 139 with valine.
Molecular consequence: missense variant.
Genome position (GRCh38, 1-based): chr10:87,714,078, C>T. VCF-style: chr10-87714078-C-T. GRCh37 (hg19) VCF-style: chr10-89473835-C-T.
Other names: c.416C>T, p.Ala139Val (NM_004670.4); short protein forms A139V.
Identifiers: ClinVar variation 1714759 (VCV001714759.5), dbSNP rs2492825192, ClinGen allele CA377487524.

ClinVar aggregate classification (germline): Uncertain significance (1 of 4 stars; one submission).

Conditions:
Spondyloepimetaphyseal dysplasia, PAPSS2 type. Also called: SEMD, PAKISTANI TYPE; BRACHYOLMIA TYPE 4 WITH MILD EPIPHYSEAL AND METAPHYSEAL CHANGES; SPONDYLODYSPLASIA AND PREMATURE PUBARCHE. Identifiers: Orphanet 93282, MedGen C2748516, MONDO:0019666, OMIM 612847.

Allele frequency attached by ClinVar (database versions not stated): gnomAD exomes below 0.00001.
gnomAD v4.1: 2 of 1,613,750 alleles (0.00012%); highest among the groups gnomAD compares: Non-Finnish European, 0.00017%; no homozygotes.

Submission:

Labcorp Genetics (formerly Invitae), Labcorp
Classification: Uncertain significance for Spondyloepimetaphyseal dysplasia, PAPSS2 type. Last evaluated: 2022-08-01. Review status: criteria provided, single submitter. Criteria: Invitae Variant Classification Sherloc (09022015). Collection method: clinical testing. Allele origin: germline.
Comment: In summary, the available evidence is currently insufficient to determine the role of this variant in disease. Therefore, it has been classified as a Variant of Uncertain Significance. Algorithms developed to predict the effect of missense changes on protein structure and function (SIFT, PolyPhen-2, Align-GVGD) all suggest that this variant is likely to be tolerated. This variant has not been reported in the literature in individuals affected with PAPSS2-related conditions. This variant is not present in population databases (gnomAD no frequency). This sequence change replaces alanine, which is neutral and non-polar, with valine, which is neutral and non-polar, at codon 139 of the PAPSS2 protein (p.Ala139Val).